The following is an entry in ClinVar:

NM_152868.3(KCNJ4):c.586C>T (p.Arg196Cys)

Gene: KCNJ4 (potassium inwardly rectifying channel subfamily J member 4; minus strand). Cytogenetic location: 22q13.1.
Variant type: single nucleotide variant.
Coding change: c.586C>T on transcript NM_152868.3 (MANE Select); coding-DNA position 586, C replaced by T.
Protein change: p.Arg196Cys; replaces arginine 196 with cysteine.
Molecular consequence: missense variant.
Genome position (GRCh38, 1-based): chr22:38,427,547, G>A on the plus strand (C>T on the coding strand, the complement: KCNJ4 is on the minus strand). VCF-style: chr22-38427547-G-A. GRCh37 (hg19) VCF-style: chr22-38823552-G-A.
Other names: c.586C>T, p.Arg196Cys (NM_004981.2); short protein forms R196C.
Identifiers: ClinVar variation 161819 (VCV000161819.2), dbSNP rs193920820, ClinGen allele CA174845.

ClinVar aggregate classification (germline): Uncertain significance (0 of 4 stars; one submission).

Conditions:
Prostate cancer. Also called: Malignant tumor of prostate. Identifiers: Orphanet 1331, MedGen C0376358, MONDO:0008315, HP:0012125.

Allele frequency attached by ClinVar (database versions not stated): gnomAD exomes below 0.00001.
gnomAD v4.1: 2 of 1,611,032 alleles (0.00012%); highest among the groups gnomAD compares: Non-Finnish European, 0.00017%; no homozygotes.

Submission:

Science for Life laboratory,  Karolinska Institutet
Classification: Uncertain significance for Malignant tumor of prostate. Review status: no assertion criteria provided. Collection method: not provided. Allele origin: somatic.
Comment: TumorID:SWE-13
ClinVar note: Converted during submission from Unknown to Uncertain significance.